The following is an entry in ClinVar:

ClinVar aggregate classification (germline): Uncertain significance. Review status: criteria provided, multiple submitters, no conflicts (2 of 4 stars). 5 submissions from 5 submitters: Uncertain significance (5). Last evaluated 2026-04-01.

Conditions:
Hypertrophic cardiomyopathy. Also called: HYPERTROPHIC MYOCARDIOPATHY. Identifiers: Orphanet 217569, MedGen C0007194, MeSH D002312, MONDO:0005045, HP:0001639.
Cardiovascular phenotype. Identifiers: MedGen CN230736.
MYL3-related disorder. Also called: MYL3-related condition.
Cardiomyopathy (CMYO). Also called: Cardiomyopathies. Identifiers: Orphanet 167848, MedGen C0878544, MONDO:0004994, HP:0001638. Inheritance: Various modes of inheritance.

Allele frequency attached by ClinVar (database versions not stated): ExAC 0.00002; TOPMed 0.00002.
gnomAD v4.1: 3 of 1,614,114 alleles (0.00019%); highest among the groups gnomAD compares: African/African-American, 0.0013%; no homozygotes.

Submissions (5):

PreventionGenetics, part of Exact Sciences
Classification: Uncertain significance for MYL3-related condition. Last evaluated: 2026-04-01. Review status: criteria provided, single submitter. Criteria: ACMG Guidelines, 2015. Collection method: clinical testing. Allele origin: germline.
Comment: The MYL3 c.94C>T variant is predicted to result in the amino acid substitution p.Pro32Ser. To our knowledge, this variant has not been reported in the literature. This variant is reported in 0.0062% of alleles in individuals of African descent in gnomAD. At this time, the clinical significance of this variant is uncertain due to the absence of conclusive functional and genetic evidence.

Labcorp Genetics (formerly Invitae), Labcorp
Classification: Uncertain significance for Hypertrophic cardiomyopathy. Last evaluated: 2024-08-22. Review status: criteria provided, single submitter. Criteria: Invitae Variant Classification Sherloc (09022015). Collection method: clinical testing. Allele origin: germline.
Comment: This sequence change replaces proline, which is neutral and non-polar, with serine, which is neutral and polar, at codon 32 of the MYL3 protein (p.Pro32Ser). This variant is present in population databases (rs759524973, gnomAD 0.007%). This variant has not been reported in the literature in individuals affected with MYL3-related conditions. An algorithm developed to predict the effect of missense changes on protein structure and function outputs the following: PolyPhen-2: "Not Available". The serine amino acid residue is found in multiple mammalian species, which suggests that this missense change does not adversely affect protein function. In summary, the available evidence is currently insufficient to determine the role of this variant in disease. Therefore, it has been classified as a Variant of Uncertain Significance.

Color Diagnostics, LLC DBA Color Health
Classification: Uncertain significance for Cardiomyopathy. Last evaluated: 2024-03-28. Review status: criteria provided, single submitter. Criteria: ACMG Guidelines, 2015. Collection method: clinical testing. Allele origin: germline.
Comment: This missense variant replaces proline with serine at codon 32 of the MYL3 protein. Computational prediction suggests that this variant may not impact protein structure and function (internally defined REVEL score threshold <= 0.5, PMID: 27666373). To our knowledge, functional studies have not been reported for this variant. This variant has not been reported in individuals affected with MYL3-related disorders in the literature. This variant has been identified in 2/250370 chromosomes in the general population by the Genome Aggregation Database (gnomAD). The available evidence is insufficient to determine the role of this variant in disease conclusively. Therefore, this variant is classified as a Variant of Uncertain Significance.

All of Us Research Program, National Institutes of Health
Classification: Uncertain significance for Hypertrophic cardiomyopathy. Last evaluated: 2023-11-30. Review status: criteria provided, single submitter. Criteria: ACMG Guidelines, 2015. Collection method: clinical testing. Allele origin: germline. Inheritance: Autosomal dominant inheritance. Observed: 1 variant allele, 1 heterozygote.
Comment: This study involves interpretation of variants in research participants for the purpose of population health screening. Participant phenotype was not available at the time of variant classification. Additional details can be found in publication PMID: 35346344, PMCID: PMC8962531

Ambry Genetics
Classification: Uncertain significance for Cardiovascular phenotype. Last evaluated: 2023-11-30. Review status: criteria provided, single submitter. Criteria: Ambry Variant Classification Scheme 2023. Collection method: clinical testing. Allele origin: germline.
Comment: The p.P32S variant (also known as c.94C>T), located in coding exon 1 of the MYL3 gene, results from a C to T substitution at nucleotide position 94. The proline at codon 32 is replaced by serine, an amino acid with similar properties. This amino acid position is conserved. In addition, this alteration is predicted to be tolerated by in silico analysis. Since supporting evidence is limited at this time, the clinical significance of this alteration remains unclear.

NM_000258.3(MYL3):c.94C>T (p.Pro32Ser)

Gene: MYL3 (myosin light chain 3; minus strand). Cytogenetic location: 3p21.31.
Variant type: single nucleotide variant.
Coding change: c.94C>T on transcript NM_000258.3 (MANE Select); coding-DNA position 94, C replaced by T.
Protein change: p.Pro32Ser; replaces proline 32 with serine.
Molecular consequence: missense variant.
Genome position (GRCh38, 1-based): chr3:46,863,297, G>A on the plus strand (C>T on the coding strand, the complement: MYL3 is on the minus strand). VCF-style: chr3-46863297-G-A. GRCh37 (hg19) VCF-style: chr3-46904787-G-A.
Other names: c.94C>T, p.Pro32Ser (NM_001406937.1, NM_001406938.1, NM_001406939.1); short protein forms P32S.
Identifiers: ClinVar variation 3000916 (VCV003000916.7), dbSNP rs759524973, ClinGen allele CA045255.